The following is an entry in ClinVar:

ClinVar aggregate classification (germline): Benign. Review status: criteria provided, multiple submitters, no conflicts (2 of 4 stars). 7 submissions from 7 submitters: Benign (7). Last evaluated 2026-02-03.

Conditions:
Nail-patella syndrome (NPS). Also called: FONG DISEASE; ONYCHOOSTEODYSPLASIA; TURNER-KIESER SYNDROME. Identifiers: Orphanet 2614, MedGen C0027341, MONDO:0008061, OMIM 161200.

Allele frequency attached by ClinVar (database versions not stated): TOPMed 0.05582; ESP Exome Variant Server 0.05620; 1000 Genomes Project 0.05631; 1000 Genomes Project 30x 0.05949.
gnomAD v4.1: 15,044 of 1,614,024 alleles (0.93%); highest among the groups gnomAD compares: African/African-American, 18%; 1,259 homozygotes.

Submissions (7):

Labcorp Genetics (formerly Invitae), Labcorp
Classification: Benign. Last evaluated: 2026-02-03. Review status: criteria provided, single submitter. Criteria: Invitae Variant Classification Sherloc (09022015). Collection method: clinical testing. Allele origin: germline.

Blueprint Genetics
Classification: Benign. Last evaluated: 2024-11-26. Review status: criteria provided, single submitter. Criteria: ACMG Guidelines, 2015. Collection method: clinical testing. Allele origin: germline.

Mayo Clinic Laboratories, Mayo Clinic
Classification: Benign. Last evaluated: 2023-04-10. Review status: criteria provided, single submitter. Criteria: ACMG Guidelines, 2015. Collection method: clinical testing. Allele origin: germline. Observed: 14 variant alleles.

GeneDx
Classification: Benign. Last evaluated: 2018-06-26. Review status: criteria provided, single submitter. Criteria: GeneDx Variant Classification Process June 2021. Collection method: clinical testing. Allele origin: germline. Affected: yes.

Illumina Laboratory Services, Illumina
Classification: Benign for Nail-patella syndrome. Last evaluated: 2018-01-12. Review status: criteria provided, single submitter. Criteria: ICSL Variant Classification Criteria 13 December 2019. Collection method: clinical testing. Allele origin: germline.
Comment: This variant was observed in the ICSL laboratory as part of a predisposition screen in an ostensibly healthy population. It had not been previously curated by ICSL or reported in the Human Gene Mutation Database (HGMD: prior to June 1st, 2018), and was therefore a candidate for classification through an automated scoring system. Utilizing variant allele frequency, disease prevalence and penetrance estimates, and inheritance mode, an automated score was calculated to assess if this variant is too frequent to cause the disease. Based on the score and internal cut-off values, a variant classified as benign is not then subjected to further curation. The score for this variant resulted in a classification of benign for this disease.

Breakthrough Genomics
Classification: Benign. Review status: criteria provided, single submitter. Criteria: ACMG Guidelines, 2015. Collection method: not provided. Allele origin: germline. Inheritance: Autosomal dominant inheritance. Affected: yes.

PreventionGenetics, part of Exact Sciences
Classification: Benign. Review status: criteria provided, single submitter. Criteria: ACMG Guidelines, 2015. Collection method: clinical testing. Allele origin: germline.

NM_001174147.2(LMX1B):c.1107C>T (p.Ser369=)

Gene: LMX1B (LIM homeobox transcription factor 1 beta; plus strand). Cytogenetic location: 9q33.3.
Variant type: single nucleotide variant.
Coding change: c.1107C>T on transcript NM_001174147.2 (MANE Select); coding-DNA position 1107, C replaced by T.
Protein change: p.Ser369=; no amino-acid change (serine 369 retained).
Molecular consequence: synonymous variant.
Genome position (GRCh38, 1-based): chr9:126,696,349, C>T. VCF-style: chr9-126696349-C-T. GRCh37 (hg19) VCF-style: chr9-129458628-C-T.
Other names: p.Ser362=; c.1119C>T, p.Ser373= (NM_001174146.2); c.1086C>T, p.Ser362= (NM_002316.4).
Identifiers: ClinVar variation 258620 (VCV000258620.20), dbSNP rs10115304, ClinGen allele CA5242555.
Genomic context (GRCh38, chr9:126,696,349, plus strand): 5'-CCCAGGGAACGACTCCATCTTCCATGACATCGACAGCGATACCTCCTTAACCAGCCTCAG[C>T]GACTGCTTCCTCGGCTCCTCAGACGTGGGCTCCCTGCAGGCCCGCGTGGGGAACCCCATC-3'
Protein context (NP_001167618.1, residues 359-379): IDSDTSLTSL[Ser369=]DCFLGSSDVG